The following is an entry in ClinVar:

NM_002485.5(NBN):c.952A>T (p.Thr318Ser)

Gene: NBN (nibrin; minus strand). Cytogenetic location: 8q21.3.
Variant type: single nucleotide variant.
Coding change: c.952A>T on transcript NM_002485.5 (MANE Select); coding-DNA position 952, A replaced by T.
Protein change: p.Thr318Ser; replaces threonine 318 with serine.
Molecular consequence: missense variant.
Genome position (GRCh38, 1-based): chr8:89,964,452, T>A on the plus strand (A>T on the coding strand, the complement: NBN is on the minus strand). VCF-style: chr8-89964452-T-A. GRCh37 (hg19) VCF-style: chr8-90976680-T-A.
Other names: c.706A>T, p.Thr236Ser (NM_001024688.3); short protein forms T318S, T236S.
Identifiers: ClinVar variation 845280 (VCV000845280.13), dbSNP rs1811146499, ClinGen allele CA371656966.

ClinVar aggregate classification (germline): Uncertain significance. Review status: criteria provided, multiple submitters, no conflicts (2 of 4 stars). 2 submissions from 2 submitters: Uncertain significance (2). Last evaluated 2025-03-08.

Conditions:
Hereditary cancer-predisposing syndrome. Also called: Neoplastic Syndromes, Hereditary; Hereditary neoplastic syndrome; Tumor predisposition; Hereditary Cancer Syndrome. Identifiers: Orphanet 140162, MedGen C0027672, MeSH D009386, MONDO:0015356.
Microcephaly, normal intelligence and immunodeficiency (NBS). Also called: Microcephaly with normal intelligence immunodeficiency and lymphoreticular malignancies; Nonsyndromal microcephaly autosomal recessive with normal intelligence; Seemanova syndrome 2; Immunodeficiency, microcephaly with normal intelligence; SEEMANOVA SYNDROME II; IMMUNODEFICIENCY, MICROCEPHALY, AND CHROMOSOMAL INSTABILITY. Identifiers: Orphanet 647, MedGen C0398791, MONDO:0009623, OMIM 251260.

Submissions (2):

Ambry Genetics
Classification: Uncertain significance for Hereditary cancer-predisposing syndrome. Last evaluated: 2025-03-08. Review status: criteria provided, single submitter. Criteria: Ambry Variant Classification Scheme 2023. Collection method: clinical testing. Allele origin: germline.
Comment: The p.T318S variant (also known as c.952A>T), located in coding exon 8 of the NBN gene, results from an A to T substitution at nucleotide position 952. The threonine at codon 318 is replaced by serine, an amino acid with similar properties. This amino acid position is conserved. In addition, this alteration is predicted to be tolerated by in silico analysis. Since supporting evidence is limited at this time, the clinical significance of this alteration remains unclear.

Labcorp Genetics (formerly Invitae), Labcorp
Classification: Uncertain significance for Microcephaly, normal intelligence and immunodeficiency. Last evaluated: 2019-12-22. Review status: criteria provided, single submitter. Criteria: Invitae Variant Classification Sherloc (09022015). Collection method: clinical testing. Allele origin: germline.
Comment: This sequence change replaces threonine with serine at codon 318 of the NBN protein (p.Thr318Ser). The threonine residue is weakly conserved and there is a small physicochemical difference between threonine and serine. In summary, the available evidence is currently insufficient to determine the role of this variant in disease. Therefore, it has been classified as a Variant of Uncertain Significance. Algorithms developed to predict the effect of missense changes on protein structure and function output the following: SIFT: "Tolerated"; PolyPhen-2: "Benign"; Align-GVGD: "Class C0". The serine amino acid residue is found in multiple mammalian species, suggesting that this missense change does not adversely affect protein function. These predictions have not been confirmed by published functional studies and their clinical significance is uncertain. This variant has not been reported in the literature in individuals with NBN-related conditions. This variant is not present in population databases (ExAC no frequency).